The following is an entry in ClinVar:

NM_001447.3(FAT2):c.10381C>T (p.Pro3461Ser)

Genes: FAT2 (FAT atypical cadherin 2; minus strand), SLC36A1 (solute carrier family 36 member 1; plus strand). Cytogenetic location: 5q33.1.
Variant type: single nucleotide variant.
Coding change: c.10381C>T on transcript NM_001447.3 (MANE Select); coding-DNA position 10381, C replaced by T.
Protein change: p.Pro3461Ser; replaces proline 3461 with serine.
Molecular consequence: missense variant.
Genome position (GRCh38, 1-based): chr5:151,525,893, G>A on the plus strand (C>T on the coding strand, the complement: FAT2 is on the minus strand). VCF-style: chr5-151525893-G-A. GRCh37 (hg19) VCF-style: chr5-150905454-G-A.
Other names: short protein forms P3461S.
Identifiers: ClinVar variation 4730203 (VCV004730203.1).

ClinVar aggregate classification (germline): Uncertain significance (1 of 4 stars; one submission).

Submission:

Labcorp Genetics (formerly Invitae), Labcorp
Classification: Uncertain significance. Last evaluated: 2025-12-01. Review status: criteria provided, single submitter. Criteria: Invitae Variant Classification Sherloc (09022015). Collection method: clinical testing. Allele origin: germline.
Comment: This sequence change replaces proline, which is neutral and non-polar, with serine, which is neutral and polar, at codon 3461 of the FAT2 protein (p.Pro3461Ser). The frequency data for this variant in the population databases is considered unreliable, as metrics indicate poor data quality at this position in the gnomAD database. This variant has not been reported in the literature in individuals affected with FAT2-related conditions. An algorithm developed to predict the effect of missense changes on protein structure and function (PolyPhen-2) suggests that this variant is likely to be disruptive. In summary, the available evidence is currently insufficient to determine the role of this variant in disease. Therefore, it has been classified as a Variant of Uncertain Significance.